The following is an entry in ClinVar:

ClinVar aggregate classification (germline): Uncertain significance (1 of 4 stars; one submission).

Conditions:
Hyperphosphatasia with impaired intellectual development syndrome 2. Also called: Hyperphosphatasia with intellectual disability syndrome 2; GLYCOSYLPHOSPHATIDYLINOSITOL BIOSYNTHESIS DEFECT 6. Identifiers: Orphanet 247262, MedGen C3553637, MONDO:0013882, OMIM 614749.

Submission:

Labcorp Genetics (formerly Invitae), Labcorp
Classification: Uncertain significance for Hyperphosphatasia with impaired intellectual development syndrome 2. Last evaluated: 2018-07-11. Review status: criteria provided, single submitter. Criteria: Invitae Variant Classification Sherloc (09022015). Collection method: clinical testing. Allele origin: germline.
Comment: This sequence change replaces arginine with proline at codon 376 of the PIGO protein (p.Arg376Pro). The arginine residue is highly conserved and there is a moderate physicochemical difference between arginine and proline. This variant is not present in population databases (ExAC no frequency). This variant has not been reported in the literature in individuals with PIGO-related disease. In summary, the available evidence is currently insufficient to determine the role of this variant in disease. Therefore, it has been classified as a Variant of Uncertain Significance. Algorithms developed to predict the effect of missense changes on protein structure and function (SIFT, PolyPhen-2, Align-GVGD) all suggest that this variant is likely to be disruptive, but these predictions have not been confirmed by published functional studies and their clinical significance is uncertain.

NM_032634.4(PIGO):c.1127G>C (p.Arg376Pro)

Gene: PIGO (phosphatidylinositol glycan anchor biosynthesis class O; minus strand). Cytogenetic location: 9p13.3.
Variant type: single nucleotide variant.
Coding change: c.1127G>C on transcript NM_032634.4 (MANE Select); coding-DNA position 1127, G replaced by C.
Protein change: p.Arg376Pro; replaces arginine 376 with proline.
Molecular consequence: missense variant.
Genome position (GRCh38, 1-based): chr9:35,092,760, C>G on the plus strand (G>C on the coding strand, the complement: PIGO is on the minus strand). VCF-style: chr9-35092760-C-G. GRCh37 (hg19) VCF-style: chr9-35092757-C-G.
Other names: c.1127G>C, p.Arg376Pro (NM_001201484.2, NM_152850.4); short protein forms R376P.
Identifiers: ClinVar variation 663185 (VCV000663185.8), dbSNP rs768552303, ClinGen allele CA373322753.